The following is an entry in ClinVar:

NM_172364.5(CACNA2D4):c.3329G>A (p.Gly1110Asp)

Gene: CACNA2D4 (calcium voltage-gated channel auxiliary subunit alpha2delta 4; minus strand). Cytogenetic location: 12p13.33.
Variant type: single nucleotide variant.
Coding change: c.3329G>A on transcript NM_172364.5 (MANE Select); coding-DNA position 3329, G replaced by A.
Protein change: p.Gly1110Asp; replaces glycine 1110 with aspartic acid.
Molecular consequence: missense variant.
Genome position (GRCh38, 1-based): chr12:1,793,740, C>T on the plus strand (G>A on the coding strand, the complement: CACNA2D4 is on the minus strand). VCF-style: chr12-1793740-C-T. GRCh37 (hg19) VCF-style: chr12-1902906-C-T.
Other names: short protein forms G1110D.
Identifiers: ClinVar variation 1018243 (VCV001018243.9), dbSNP rs780254909, ClinGen allele CA6385946.
Genomic context (GRCh38, chr12:1,793,740, plus strand): 5'-CCCCAGGCACACACAGGCAGCAGGAGTAGGGGCGGCGAGGCTGAGGTGTCCGAGGCGCCG[C>T]CGCAGTCCTGGGCATTCTCCTGCGAACGCAGAGCAGAGGTGACAGCGCGGCGCTCAGAGG-3'
Protein context (NP_758952.4, residues 1100-1120): FHPEENAQDC[Gly1110Asp]GASDTSASPP

ClinVar aggregate classification (germline): Uncertain significance. Review status: criteria provided, multiple submitters, no conflicts (2 of 4 stars). 2 submissions from 2 submitters: Uncertain significance (2). Last evaluated 2023-08-09.

Allele frequency attached by ClinVar (database versions not stated): ExAC 0.00001; gnomAD 0.00001; gnomAD exomes 0.00001; TOPMed 0.00002.
gnomAD v4.1: 21 of 1,613,130 alleles (0.0013%); highest among the groups gnomAD compares: Middle Eastern, 0.017%; no homozygotes.

Submissions (2):

Blueprint Genetics
Classification: Uncertain significance. Last evaluated: 2023-08-09. Review status: criteria provided, single submitter. Criteria: ACMG Guidelines, 2015. Collection method: clinical testing. Allele origin: germline.

Labcorp Genetics (formerly Invitae), Labcorp
Classification: Uncertain significance. Last evaluated: 2023-04-10. Review status: criteria provided, single submitter. Criteria: Invitae Variant Classification Sherloc (09022015). Collection method: clinical testing. Allele origin: germline.
Comment: This sequence change replaces glycine, which is neutral and non-polar, with aspartic acid, which is acidic and polar, at codon 1110 of the CACNA2D4 protein (p.Gly1110Asp). This variant is present in population databases (rs780254909, gnomAD 0.003%). This variant has not been reported in the literature in individuals affected with CACNA2D4-related conditions. ClinVar contains an entry for this variant (Variation ID: 1018243). In summary, the available evidence is currently insufficient to determine the role of this variant in disease. Therefore, it has been classified as a Variant of Uncertain Significance. An algorithm developed to predict the effect of missense changes on protein structure and function (PolyPhen-2) suggests that this variant is likely to be disruptive.